The following is an entry in ClinVar:

NM_004006.3(DMD):c.1786A>G (p.Met596Val)

Gene: DMD (dystrophin; minus strand). Cytogenetic location: Xp21.1.
Variant type: single nucleotide variant.
Coding change: c.1786A>G on transcript NM_004006.3 (MANE Select); coding-DNA position 1786, A replaced by G.
Protein change: p.Met596Val; replaces methionine 596 with valine.
Molecular consequence: missense variant.
Genome position (GRCh38, 1-based): chrX:32,573,556, T>C on the plus strand (A>G on the coding strand, the complement: DMD is on the minus strand). VCF-style: chrX-32573556-T-C. GRCh37 (hg19) VCF-style: chrX-32591673-T-C.
Other names: c.1762A>G, p.Met588Val (NM_000109.4); c.1774A>G, p.Met592Val (NM_004009.3); c.1417A>G, p.Met473Val (NM_004010.3); short protein forms M473V, M596V, M588V, M592V.
Identifiers: ClinVar variation 1503617 (VCV001503617.6), dbSNP rs2052669974, ClinGen allele CA412673120.

ClinVar aggregate classification (germline): Uncertain significance (1 of 4 stars; one submission).

Conditions:
Duchenne muscular dystrophy (DMD). Also called: Duchenne Muscular Dystrophy (DMD); MUSCULAR DYSTROPHY, PSEUDOHYPERTROPHIC PROGRESSIVE, DUCHENNE TYPE. Identifiers: Orphanet 98896, MedGen C0013264, MONDO:0010679, OMIM 310200.

Submission:

Labcorp Genetics (formerly Invitae), Labcorp
Classification: Uncertain significance for Duchenne muscular dystrophy. Last evaluated: 2021-09-06. Review status: criteria provided, single submitter. Criteria: Invitae Variant Classification Sherloc (09022015). Collection method: clinical testing. Allele origin: germline.
Comment: Algorithms developed to predict the effect of missense changes on protein structure and function output the following: SIFT: "Tolerated"; PolyPhen-2: "Benign"; Align-GVGD: "Class C0". The valine amino acid residue is found in multiple mammalian species, which suggests that this missense change does not adversely affect protein function. This variant has not been reported in the literature in individuals affected with DMD-related conditions. This variant is not present in population databases (ExAC no frequency). This sequence change replaces methionine with valine at codon 596 of the DMD protein (p.Met596Val). The methionine residue is moderately conserved and there is a small physicochemical difference between methionine and valine. In summary, the available evidence is currently insufficient to determine the role of this variant in disease. Therefore, it has been classified as a Variant of Uncertain Significance.